The following continues an entry in ClinVar:

NM_024675.4(PALB2):c.3549C>A (p.Tyr1183Ter)

Gene: PALB2. ClinVar aggregate classification (germline): Pathogenic. Pathogenic (1).

Submissions 20 to 28 of 28:

Women's Health and Genetics/Laboratory Corporation of America, LabCorp
Classification: Pathogenic for Hereditary breast and ovarian cancer syndrome. Last evaluated: 2019-11-05. Review status: criteria provided, single submitter. Criteria: LabCorp Variant Classification Summary - May 2015. Collection method: clinical testing. Allele origin: germline. Not counted in ClinVar's aggregate classification.
Comment: Variant summary: PALB2 c.3549C>A (p.Tyr1183X) results in a premature termination codon, predicted to cause a truncation of the encoded protein or absence of the protein due to nonsense mediated decay, which are commonly known mechanisms for disease. The variant allele was found at a frequency of 3.9e-06 in 258634 control chromosomes. c.3549C>A has been well reported in the literature in multiple individuals affected with several cancer phenotypes such as, epithelial ovarian cancer (Ramus_2015), in bi allelic PALB2 mediated Fanconi anemia (with p.R753*, Reid_2007), breast and pancreatic cancer (Hofstatter_2011), and male breast cancer (Ding_2011). These data indicate that the variant is very likely to be associated with disease. At least one publication reports experimental evidence evaluating an impact on protein function. The most pronounced variant effect results in no detectable PALB2 protein in lymphoblastoid cells of a patient with the Fanconi anemia phenotype, thereby confirming the null allele outcome for this variant (Reid_2007). Eight clinical diagnostic laboratories have submitted clinical-significance assessments for this variant to ClinVar after 2014 without evidence for independent evaluation. All laboratories classified the variant as pathogenic. Based on the evidence outlined above, the variant was classified as pathogenic.

ARUP Laboratories, Molecular Genetics and Genomics, ARUP Laboratories
Classification: Pathogenic. Last evaluated: 2018-02-01. Review status: criteria provided, single submitter. Criteria: ARUP Molecular Germline Variant Investigation Process. Collection method: clinical testing. Allele origin: germline. Not counted in ClinVar's aggregate classification.
Comment: The PALB2 c.3549C>A; p.Tyr1183Ter variant (rs118203998) is described in individuals and families affected with breast cancer, ovarian cancer and pancreatic cancer; and in Fanconi anemia when paired with another pathogenic variant on the opposite chromosome (Hoffstatter 2011, Reid 2007, Susswein 2016). This variant removes four amino acids thought to be critical in the protein structure, which may destabilize the protein (Oliver 2009). In support of this theory, cells derived from individuals harboring this variant and another truncation variant on the opposite chromosome do not produce PALB2 protein (Reid 2007). The variant is listed in the ClinVar database (Variation ID: 128144). The variant is also listed in the Genome Aggregation Database in 1 out of 246208 alleles. Considering available information, this variant is classified as pathogenic. Pathogenic PALB2 variants increase susceptibility to breast and pancreatic cancer (OMIM#601355). References: Hofstatter EW et al. PALB2 mutations in familial breast and pancreatic cancer. Fam Cancer. 2011 Jun;10(2):225-31. Oliver AW et al. Structural basis for recruitment of BRCA2 by PALB2. EMBO Rep. 2009 Sep;10(9):990-6. Reid S et al. Biallelic mutations in PALB2 cause Fanconi anemia subtype FA-N and predispose to childhood cancer. Nat Genet. 2007 Feb;39(2):162-4. Susswein LR et al. Pathogenic and likely pathogenic variant prevalence among the first 10,000 patients referred for next-generation cancer panel testing. Genet Med. 2016 Aug;18(8):823-32.

Leiden Open Variation Database
Classification: Pathogenic. Last evaluated: 2019-05-13. Review status: no assertion criteria provided. Collection method: curation. Allele origin: germline. Affected: yes. Not counted in ClinVar's aggregate classification.
Comment: Curators: Marc Tischkowitz, Arleen D. Auerbach. Submitters to LOVD: Arleen D. Auerbach, LOVD-team, but with Curator vacancy, Marc Tischkowitz.

Counsyl
Classification: Pathogenic for Familial cancer of breast. Last evaluated: 2016-09-14. Review status: no assertion criteria provided. Collection method: clinical testing. Allele origin: unknown. Not counted in ClinVar's aggregate classification.

Clinical Genetics DNA and cytogenetics Diagnostics Lab, Erasmus MC, Erasmus Medical Center
Classification: Pathogenic. Review status: no assertion criteria provided. Collection method: clinical testing. Allele origin: germline. Affected: yes. Study: VKGL Data-share Consensus. Not counted in ClinVar's aggregate classification.

Diagnostic Laboratory, Department of Genetics, University Medical Center Groningen
Classification: Pathogenic. Review status: no assertion criteria provided. Collection method: clinical testing. Allele origin: germline. Affected: yes. Study: VKGL Data-share Consensus. Not counted in ClinVar's aggregate classification.

Genome Diagnostics Laboratory, University Medical Center Utrecht
Classification: Pathogenic. Review status: no assertion criteria provided. Collection method: clinical testing. Allele origin: germline. Affected: yes. Study: VKGL Data-share Consensus. Not counted in ClinVar's aggregate classification.

Joint Genome Diagnostic Labs from Nijmegen and Maastricht, Radboudumc and MUMC+
Classification: Pathogenic. Review status: no assertion criteria provided. Collection method: clinical testing. Allele origin: germline. Affected: yes. Study: VKGL Data-share Consensus. Not counted in ClinVar's aggregate classification.

Fulgent Genetics
Classification: Pathogenic for Familial cancer of breast; Fanconi anemia complementation group N; Pancreatic cancer, susceptibility to, 3. Last evaluated: 2018-10-31. Review status: flagged submission. Criteria: ACMG Guidelines, 2015. Collection method: clinical testing. Allele origin: unknown. Not counted in ClinVar's aggregate classification.
ClinVar note: Reason: This record appears to be redundant with a more recent record from the same submitter.
ClinVar note: Notes: SCV000894073 appears to be redundant with SCV000611292.

Literature cited by the submitters: PubMed 31757951 (cited by 4 submitters); PubMed 17200671 (cited by 10 submitters); PubMed 20927582 (cited by 5 submitters); PubMed 21165770 (cited by Labcorp Genetics (formerly Invitae), Labcorp and Dasa); PubMed 21365267 (cited by 7 submitters); PubMed 26283626 (cited by Labcorp Genetics (formerly Invitae), Labcorp and Dasa); PubMed 26296701 (cited by 7 submitters); PubMed 19609323 (cited by 4 submitters); PubMed 40967221 (cited by Otogenetics); PubMed 17200668 (cited by Ambry Genetics); PubMed 26641009 (cited by 3 submitters); PubMed 26681312 (cited by 5 submitters); PubMed 19264984 (cited by Quest Diagnostics Nichols Institute San Juan Capistrano and Leiden Open Variation Database); PubMed 25099575 (cited by 4 submitters); PubMed 26315354 (cited by 4 submitters); PubMed 20925782 (cited by Department of Pathology and Laboratory Medicine, Sinai Health System); PubMed 21635267 (cited by Department of Pathology and Laboratory Medicine, Sinai Health System); PubMed 29360161 (cited by Sema4); PubMed 31159747 (cited by Sema4); PubMed 32339256 (cited by Sema4); PubMed 19584259 (cited by Counsyl).